The following is an entry in ClinVar:

NM_007294.4(BRCA1):c.4776C>G (p.Asn1592Lys)

Gene: BRCA1 (BRCA1 DNA repair associated; minus strand). Cytogenetic location: 17q21.31.
Variant type: single nucleotide variant.
Coding change: c.4776C>G on transcript NM_007294.4 (MANE Select); coding-DNA position 4776, C replaced by G.
Protein change: p.Asn1592Lys; replaces asparagine 1592 with lysine.
Molecular consequence: missense variant. On other transcripts: non-coding transcript variant (1).
Genome position (GRCh38, 1-based): chr17:43,071,138, G>C on the plus strand (C>G on the coding strand, the complement: BRCA1 is on the minus strand). VCF-style: chr17-43071138-G-C. GRCh37 (hg19) VCF-style: chr17-41223155-G-C.
Other names: c.4563C>G, p.Asn1521Lys (NM_001407571.1, NM_001407894.1, NM_001407895.1 and 12 more transcripts); c.4842C>G, p.Asn1614Lys (NM_001407581.1, NM_001407582.1); c.4839C>G, p.Asn1613Lys (NM_001407583.1, NM_001407585.1, NM_001407587.1 and 1 more transcripts); c.4836C>G, p.Asn1612Lys (NM_001407590.1, NM_001407591.1); c.4776C>G, p.Asn1592Lys (NM_001407593.1, NM_001407594.1, NM_001407596.1 and 8 more transcripts); c.4773C>G, p.Asn1591Lys (NM_001407620.1, NM_001407621.1, NM_001407622.1 and 17 more transcripts); c.4770C>G, p.Asn1590Lys (NM_001407627.1, NM_001407628.1, NM_001407639.1 and 14 more transcripts); c.4767C>G, p.Asn1589Lys (NM_001407644.1, NM_001407645.1); and 70 more; short protein forms N1592K, N488K, N1545K, N1613K, N1295K, N1463K, N1481K, N1521K.
Identifiers: ClinVar variation 183931 (VCV000183931.38), dbSNP rs761925468, ClinGen allele CA003018.
Genomic context (GRCh38, chr17:43,071,138, plus strand): 5'-CTGGGCAGATTCTGCAACTTTCAATTGGGGAACTTTCAATGCAGAGGTTGAAGATGGTAT[G>C]TTGCCAACACGAGCTGACTCTGGGGCTCTGTCTTCAGAAGGATCAGATTCAGGGTCATCA-3'
Protein context (NP_009225.1, residues 1582-1602): DRAPESARVG[Asn1592Lys]IPSSTSALKV

ClinVar aggregate classification (germline): Conflicting classifications of pathogenicity. Review status: criteria provided, conflicting classifications (1 of 4 stars). 12 submissions from 12 submitters: Uncertain significance (3); Likely benign (7). 2 of the submissions do not count toward it. Last evaluated 2026-04-13.

Conditions:
Hereditary breast ovarian cancer syndrome. Also called: Hereditary breast and ovarian cancer syndrome; Hereditary breast and ovarian cancer syndrome (HBOC); BRCA1- and BRCA2-Associated Hereditary Breast and Ovarian Cancer; Breast and ovarian cancer; Hereditary breast and ovarian cancer; Hereditary breast and/or ovarian cancer syndrome. Identifiers: Orphanet 145, MedGen C0677776, MeSH D061325, MONDO:0003582. Disease mechanism: loss of function.
Malignant tumor of breast. Also called: Malignant breast neoplasm; Cancer breast. Identifiers: MedGen C0006142, MONDO:0007254. Disease mechanism: loss of function.
Breast-ovarian cancer, familial, susceptibility to, 1 (BROVCA1). Also called: OVARIAN CANCER, SUSCEPTIBILITY TO; BRCA1 Hereditary Breast and Ovarian Cancer. Identifiers: Orphanet 145, MedGen C2676676, MONDO:0011450, OMIM 604370. Disease mechanism: loss of function.
BRCA1-related cancer predisposition. Identifiers: MedGen CN377757, MONDO:0700268.
BRCA1-related disorder. Also called: BRCA1-related condition.
Hereditary cancer-predisposing syndrome. Also called: Hereditary Cancer Syndrome; Hereditary neoplastic syndrome; Tumor predisposition; Neoplastic Syndromes, Hereditary. Identifiers: Orphanet 140162, MedGen C0027672, MeSH D009386, MONDO:0015356.

Allele frequency attached by ClinVar (database versions not stated): gnomAD exomes below 0.00001 and 0.00001; TOPMed below 0.00001; ExAC 0.00002.
gnomAD v4.1: 5 of 1,614,204 alleles (0.00031%); highest among the groups gnomAD compares: Middle Eastern, 0.033%; no homozygotes.

Submissions (12):

PreventionGenetics, part of Exact Sciences
Classification: Likely benign for BRCA1-related condition. Last evaluated: 2026-04-13. Review status: criteria provided, single submitter. Criteria: ACMG Guidelines, 2015. Collection method: clinical testing. Allele origin: germline.
Comment: This variant is classified as likely benign based on ACMG/AMP sequence variant interpretation guidelines (Richards et al. 2015 PMID: 25741868, with internal and published modifications).

Labcorp Genetics (formerly Invitae), Labcorp
Classification: Likely benign for Hereditary breast ovarian cancer syndrome. Last evaluated: 2026-01-21. Review status: criteria provided, single submitter. Criteria: Invitae Variant Classification Sherloc (09022015). Collection method: clinical testing. Allele origin: germline.

Ambry Genetics
Classification: Uncertain significance for Hereditary cancer-predisposing syndrome. Last evaluated: 2025-08-21. Review status: criteria provided, single submitter. Criteria: Ambry Variant Classification Scheme 2023. Collection method: clinical testing. Allele origin: germline.
Comment: The p.N1592K variant (also known as c.4776C>G), located in coding exon 14 of the BRCA1 gene, results from a C to G substitution at nucleotide position 4776. The asparagine at codon 1592 is replaced by lysine, an amino acid with similar properties. This amino acid position is poorly conserved in available vertebrate species. In addition, the in silico prediction for this alteration is inconclusive. Based on the available evidence, the clinical significance of this variant remains unclear.

Women's Health and Genetics/Laboratory Corporation of America, LabCorp
Classification: Likely benign. Last evaluated: 2025-07-03. Review status: criteria provided, single submitter. Criteria: LabCorp Variant Classification Summary - May 2015. Collection method: clinical testing. Allele origin: germline.
Comment: Variant summary: BRCA1 c.4776C>G (p.Asn1592Lys) results in a non-conservative amino acid change in the encoded protein sequence. Algorithms developed to predict the effect of missense changes on protein structure and function are either unavailable or do not agree on the potential impact of this missense change. The variant allele was found at a frequency of 1.2e-05 in 251386 control chromosomes (gnomAD). The available data on variant occurrences in the general population are insufficient to allow any conclusion about variant significance. c.4776C>G has been observed in an individual(s) affected with breast cancer (e.g, Azim_2023). These reports do not provide unequivocal conclusions about association of the variant with Hereditary Breast And Ovarian Cancer Syndrome. At least one publication reports experimental evidence evaluating an impact on protein function (Bouwman_2020). These results showed no damaging effect of this variant on ability to complement BRCA1-deficient mouse embryonic stem cells in homologous recombination DNA repair (HRR) using cisplatin and olaparib sensitivity assays and a direct GFP HRR assay. HDR assays qualify as a recognized gold standard on the basis of updated guidance provided by the ClinGen Sequence Variant Interpretation (SVI) working group. The following publications have been ascertained in the context of this evaluation (PMID: 23289006, 23697973, 32546644, 31570899, 34296289, 37731153). ClinVar contains an entry for this variant (Variation ID: 183931). Based on the evidence outlined above, the variant was classified as likely benign.

Color Diagnostics, LLC DBA Color Health
Classification: Likely benign for Hereditary cancer-predisposing syndrome. Last evaluated: 2025-02-19. Review status: criteria provided, single submitter. Criteria: ACMG Guidelines, 2015. Collection method: clinical testing. Allele origin: germline.

Blueprint Genetics
Classification: Likely benign. Last evaluated: 2024-10-10. Review status: criteria provided, single submitter. Criteria: ACMG Guidelines, 2015. Collection method: clinical testing. Allele origin: germline.

All of Us Research Program, National Institutes of Health
Classification: Uncertain significance for BRCA1-related cancer predisposition. Last evaluated: 2024-08-06. Review status: criteria provided, single submitter. Criteria: ACMG Guidelines, 2015. Collection method: clinical testing. Allele origin: germline. Inheritance: Autosomal dominant inheritance. Observed: 3 variant alleles, 3 heterozygotes.
Comment: This missense variant replaces asparagine with lysine at codon 1592 of the BRCA1 protein. Computational prediction suggests that this variant may not impact protein structure and function (internally defined REVEL score threshold <= 0.5, PMID: 27666373). A functional study has reported that this variant does not impact BRCA1 function in a mouse Brca1-deficient embryonic cell-based assays for homology-directed DNA repair and sensitivity to cisplatin and PARP inhibitor (PMID: 32546644). This variant has been detected in a breast cancer case-control meta-analysis in 0/60466 cases and 2/53461 unaffected individuals (PMID: 33471991; Leiden Open Variation Database DB-ID BRCA1_001232). A different nucleotide change resulting in the same protein missense mutation has been reported in an individual affected with breast cancer (PMID: 23289006). This variant has been identified in 3/251386 chromosomes in the general population by the Genome Aggregation Database (gnomAD). The available evidence is insufficient to determine the role of this variant in disease conclusively. Therefore, this variant is classified as a Variant of Uncertain Significance.

This study involves interpretation of variants in research participants for the purpose of population health screening. Participant phenotype was not available at the time of variant classification. Additional details can be found in publication PMID: 35346344, PMCID: PMC8962531

Genomic Medicine Center of Excellence, King Faisal Specialist Hospital and Research Centre
Classification: Uncertain significance for Breast-ovarian cancer, familial, susceptibility to, 1. Last evaluated: 2024-03-29. Review status: criteria provided, single submitter. Criteria: ACMG Guidelines, 2015. Collection method: clinical testing. Allele origin: germline.

GeneDx
Classification: Likely benign. Last evaluated: 2019-01-21. Review status: criteria provided, single submitter. Criteria: GeneDx Variant Classification Process June 2021. Collection method: clinical testing. Allele origin: germline. Affected: yes.
Comment: This variant is associated with the following publications: (PMID: 23289006)

Clinical Genetics DNA and cytogenetics Diagnostics Lab, Erasmus MC, Erasmus Medical Center
Classification: Likely benign for Breast-ovarian cancer, familial, susceptibility to, 1. Last evaluated: 2015-09-21. Review status: criteria provided, single submitter. Criteria: ACGS Guidelines, 2013. Collection method: clinical testing. Allele origin: germline. Affected: yes. Study: VKGL Data-share Consensus.

Department of Pathology and Laboratory Medicine, Sinai Health System
Classification: Uncertain significance for Malignant tumor of breast. Review status: no assertion criteria provided. Collection method: clinical testing. Allele origin: unknown. Affected: yes. Study: The Canadian Open Genetics Repository (COGR). Not counted in ClinVar's aggregate classification.
Comment: The BRCA1 p.Asn1592Lys variant was identified in 1 of 242 proband chromosomes (frequency: 0.004) from individuals with breast cancer (Laraqui 2013); however, control chromosomes were not evaluated in this study. The variant was identified in three individuals in the Exome Aggregation Consortium (ExAC) database with allele counts of 1/67676 European (Non-Finnish), 1/11608 Latino, and 1/16628 South Asian alleles; however, this low number of observations and low frequency is not substantive enough to determine the prevalence of the variant in the general population and its relationship to disease. The variant was not identified in any other databases searched, including: dbSNP, NHLBI Exome Sequencing Project (Exome Variant Server), HGMD, LOVD, COSMIC, ClinVar, GeneInsight VariantWire, BIC or UMD. The variant occurs outside of the splicing consensus sequence and 2 of 5 in silico or computational prediction software programs (SpliceSiteFinder, MaxEntScan, NNSPLICE, GeneSplicer, HumanSpliceFinder) predict a greater than 10% difference in splicing; however, this is not very predictive of pathogenicity. The p.Asn1592 residue is not conserved in mammals and lower organisms, and computational analyses (PolyPhen-2, SIFT, AlignGVGD, BLOSUM, MutationTaster) do not suggest a high likelihood of impact of the variant amino acid to the protein. However, this information is not predictive enough to rule out pathogenicity. In summary, based on the above information, the clinical significance of this variant cannot be determined with certainty at this time. This variant is classified as a variant of unknown significance.

Diagnostic Laboratory, Department of Genetics, University Medical Center Groningen
Classification: Likely benign for Breast-ovarian cancer, familial, susceptibility to, 1. Review status: no assertion criteria provided. Collection method: clinical testing. Allele origin: germline. Affected: yes. Study: VKGL Data-share Consensus. Not counted in ClinVar's aggregate classification.

Literature cited by the submitters: PubMed 23289006 (cited by 3 submitters); PubMed 23697973 (cited by Women's Health and Genetics/Laboratory Corporation of America, LabCorp); PubMed 32546644 (cited by Women's Health and Genetics/Laboratory Corporation of America, LabCorp and All of Us Research Program, National Institutes of Health); PubMed 31570899 (cited by Women's Health and Genetics/Laboratory Corporation of America, LabCorp); PubMed 34296289 (cited by Women's Health and Genetics/Laboratory Corporation of America, LabCorp); PubMed 37731153 (cited by Women's Health and Genetics/Laboratory Corporation of America, LabCorp); PubMed 33471991 (cited by All of Us Research Program, National Institutes of Health).